The following is an entry in ClinVar:

NM_001197104.2(KMT2A):c.7046G>A (p.Ser2349Asn)

Gene: KMT2A (lysine methyltransferase 2A; plus strand). Cytogenetic location: 11q23.3.
Variant type: single nucleotide variant.
Coding change: c.7046G>A on transcript NM_001197104.2 (MANE Select); coding-DNA position 7046, G replaced by A.
Protein change: p.Ser2349Asn; replaces serine 2349 with asparagine.
Molecular consequence: missense variant.
Genome position (GRCh38, 1-based): chr11:118,502,938, G>A. VCF-style: chr11-118502938-G-A. GRCh37 (hg19) VCF-style: chr11-118373653-G-A.
Other names: c.7136G>A, p.Ser2379Asn (NM_001412597.1); c.7037G>A, p.Ser2346Asn (NM_005933.4); short protein forms S2346N, S2349N, S2379N.
Identifiers: ClinVar variation 3632527 (VCV003632527.2).
Genomic context (GRCh38, chr11:118,502,938, plus strand): 5'-CTGGAATTCCTAAACTGGCCCCACAGGTTCATAACACAACATCTAGAGAACTGAATGTTA[G>A]TAAAATCGGCTCCTTTGCTGAACCCTCTTCAGTGTCGTTTTCTTCTAAAGAGGCCCTCTC-3'
Protein context (NP_001184033.1, residues 2339-2359): HNTTSRELNV[Ser2349Asn]KIGSFAEPSS

ClinVar aggregate classification (germline): Uncertain significance (1 of 4 stars; one submission).

gnomAD v4.1: 5 of 1,614,172 alleles (0.00031%); highest among the groups gnomAD compares: Non-Finnish European, 0.00042%; no homozygotes.

Submission:

Labcorp Genetics (formerly Invitae), Labcorp
Classification: Uncertain significance. Last evaluated: 2024-10-24. Review status: criteria provided, single submitter. Criteria: Invitae Variant Classification Sherloc (09022015). Collection method: clinical testing. Allele origin: germline.
Comment: This sequence change replaces serine, which is neutral and polar, with asparagine, which is neutral and polar, at codon 2349 of the KMT2A protein (p.Ser2349Asn). This variant is not present in population databases (gnomAD no frequency). This variant has not been reported in the literature in individuals affected with KMT2A-related conditions. Invitae Evidence Modeling of protein sequence and biophysical properties (such as structural, functional, and spatial information, amino acid conservation, physicochemical variation, residue mobility, and thermodynamic stability) indicates that this missense variant is not expected to disrupt KMT2A protein function with a negative predictive value of 95%. In summary, the available evidence is currently insufficient to determine the role of this variant in disease. Therefore, it has been classified as a Variant of Uncertain Significance.